The following is an entry in ClinVar:

NM_020693.4(DSCAML1):c.136C>G (p.Pro46Ala)

Gene: DSCAML1 (DS cell adhesion molecule like 1; minus strand). Cytogenetic location: 11q23.3.
Variant type: single nucleotide variant.
Coding change: c.136C>G on transcript NM_020693.4 (MANE Select); coding-DNA position 136, C replaced by G.
Protein change: p.Pro46Ala; replaces proline 46 with alanine.
Molecular consequence: missense variant. On other transcripts: 5 prime UTR variant (1).
Genome position (GRCh38, 1-based): chr11:117,780,721, G>C on the plus strand (C>G on the coding strand, the complement: DSCAML1 is on the minus strand). VCF-style: chr11-117780721-G-C. GRCh37 (hg19) VCF-style: chr11-117651436-G-C.
Other names: c.136C>G, p.Pro46Ala (NM_001367904.1); c.-273C>G (NM_001367905.1); short protein forms P46A.
Identifiers: ClinVar variation 1372504 (VCV001372504.6), dbSNP rs748344921, ClinGen allele CA382760976.

ClinVar aggregate classification (germline): Uncertain significance (1 of 4 stars; one submission).

Submission:

Labcorp Genetics (formerly Invitae), Labcorp
Classification: Uncertain significance. Last evaluated: 2021-10-14. Review status: criteria provided, single submitter. Criteria: Invitae Variant Classification Sherloc (09022015). Collection method: clinical testing. Allele origin: germline.
Comment: In summary, the available evidence is currently insufficient to determine the role of this variant in disease. Therefore, it has been classified as a Variant of Uncertain Significance. Algorithms developed to predict the effect of missense changes on protein structure and function are either unavailable or do not agree on the potential impact of this missense change (SIFT: "Deleterious"; PolyPhen-2: "Probably Damaging"; Align-GVGD: "Class C0"). This variant has not been reported in the literature in individuals affected with DSCAML1-related conditions. This variant is not present in population databases (ExAC no frequency). This sequence change replaces proline with alanine at codon 106 of the DSCAML1 protein (p.Pro106Ala). The proline residue is weakly conserved and there is a small physicochemical difference between proline and alanine.